The following is an entry in ClinVar:

NM_177438.3(DICER1):c.4207-8C>T

Gene: DICER1 (dicer 1, ribonuclease III; minus strand). Cytogenetic location: 14q32.13.
Variant type: single nucleotide variant.
Coding change: c.4207-8C>T on transcript NM_177438.3 (MANE Select); 8 bases into the intron before coding-DNA position 4207, C replaced by T.
Molecular consequence: intron variant.
Genome position (GRCh38, 1-based): chr14:95,096,721, G>A on the plus strand (C>T on the coding strand, the complement: DICER1 is on the minus strand). VCF-style: chr14-95096721-G-A. GRCh37 (hg19) VCF-style: chr14-95563058-G-A.
Other names: c.4207-8C>T (NM_001291628.2, NM_030621.4, NM_001271282.3 and 1 more transcripts).
Identifiers: ClinVar variation 507240 (VCV000507240.14), dbSNP rs763694414, ClinGen allele CA7330878.

ClinVar aggregate classification (germline): Likely benign. Review status: criteria provided, multiple submitters, no conflicts (2 of 4 stars). 3 submissions from 3 submitters: Likely benign (3). Last evaluated 2026-04-14.

Conditions:
DICER1-related tumor predisposition. Also called: DICER1-related pleuropulmonary blastoma cancer predisposition syndrome; DICER1 syndrome. Identifiers: Orphanet 284343, MedGen C3839822, MONDO:0100216.

Allele frequency attached by ClinVar (database versions not stated): gnomAD 0.00001 and below 0.00001; gnomAD exomes 0.00001; ExAC 0.00002.
gnomAD v4.1: 13 of 1,595,234 alleles (0.00081%); highest among the groups gnomAD compares: East Asian, 0.0069%; no homozygotes.

Submissions (3):

Myriad Genetics, Inc.
Classification: Likely benign for DICER1-related tumor predisposition. Last evaluated: 2026-04-14. Review status: criteria provided, single submitter. Criteria: Myriad Autosomal Dominant, Autosomal Recessive and X-Linked Classification Criteria (2023). Collection method: clinical testing. Allele origin: unknown.
Comment: This variant is considered likely benign. This variant is intronic and is not expected to impact mRNA splicing.

Labcorp Genetics (formerly Invitae), Labcorp
Classification: Likely benign for DICER1-related tumor predisposition. Last evaluated: 2026-01-12. Review status: criteria provided, single submitter. Criteria: Invitae Variant Classification Sherloc (09022015). Collection method: clinical testing. Allele origin: germline.

GeneDx
Classification: Likely benign. Last evaluated: 2017-02-02. Review status: criteria provided, single submitter. Criteria: GeneDx Variant Classification (06012015). Collection method: clinical testing. Allele origin: germline. Affected: yes.
Comment: This variant is considered likely benign or benign based on one or more of the following criteria: it is a conservative change, it occurs at a poorly conserved position in the protein, it is predicted to be benign by multiple in silico algorithms, and/or has population frequency not consistent with disease.